The following is an entry in ClinVar:

NM_007118.4(TRIO):c.1087T>C (p.Phe363Leu)

Gene: TRIO (trio Rho guanine nucleotide exchange factor; plus strand). Cytogenetic location: 5p15.2.
Variant type: single nucleotide variant.
Coding change: c.1087T>C on transcript NM_007118.4 (MANE Select); coding-DNA position 1087, T replaced by C.
Protein change: p.Phe363Leu; replaces phenylalanine 363 with leucine.
Molecular consequence: missense variant. On other transcripts: non-coding transcript variant (1).
Genome position (GRCh38, 1-based): chr5:14,293,045, T>C. VCF-style: chr5-14293045-T-C. GRCh37 (hg19) VCF-style: chr5-14293154-T-C.
Other names: short protein forms F363L.
Identifiers: ClinVar variation 4077285 (VCV004077285.1).

ClinVar aggregate classification (germline): Uncertain significance (1 of 4 stars; one submission).

Submission:

GeneDx
Classification: Uncertain significance. Last evaluated: 2025-02-26. Review status: criteria provided, single submitter. Criteria: GeneDx Variant Classification Process June 2021. Collection method: clinical testing. Allele origin: germline. Affected: yes.
Comment: Not observed at significant frequency in large population cohorts (gnomAD); In silico analysis supports that this missense variant has a deleterious effect on protein structure/function; Has not been previously published as pathogenic or benign to our knowledge